The following is an entry in ClinVar:

ClinVar aggregate classification (germline): Likely pathogenic (1 of 4 stars; one submission).

Conditions:
Primary ciliary dyskinesia 35. Also called: CILIARY DYSKINESIA, PRIMARY, 35, WITH OR WITHOUT SITUS INVERSUS. Identifiers: Orphanet 244, MedGen C4310721, MONDO:0014910, OMIM 617092.

Submission:

First Genomix Gene Laboratory, Genetic Diagnostics Department
Classification: Likely pathogenic for Primary ciliary dyskinesia 35. Last evaluated: 2025-06-04. Review status: criteria provided, single submitter. Criteria: ACMG Guidelines, 2015. Collection method: clinical testing. Allele origin: germline. Inheritance: Autosomal recessive inheritance. Affected: no. Observed: 1 variant allele.

NM_031421.5(ODAD4):c.1528+1del

Gene: ODAD4 (outer dynein arm docking complex subunit 4; plus strand). Cytogenetic location: 17q21.2.
Variant type: Deletion.
Coding change: c.1528+1del on transcript NM_031421.5 (MANE Select); the canonical splice donor site of the intron after coding-DNA position 1528, one base deleted (G; older notation c.1528+1delG).
Molecular consequence: splice donor variant.
Genome position (GRCh38, 1-based): chr17:41,961,467, G deleted; the last of 2 consecutive G bases (chr17:41,961,466-41,961,467); deleting either gives the same sequence. VCF-style (leftmost placement, unchanged base first): chr17-41961465-AG-A. GRCh37 (hg19) VCF-style: chr17-40113483-AG-A.
Other names: c.1427+1del (NM_001350319.2); c.1528del (NM_031421.5).
Identifiers: ClinVar variation 4849438 (VCV004849438.1).